The following is an entry in ClinVar:

NM_005591.4(MRE11):c.895A>T (p.Ile299Phe)

Gene: MRE11 (MRE11 double strand break repair nuclease; minus strand). Cytogenetic location: 11q21.
Variant type: single nucleotide variant.
Coding change: c.895A>T on transcript NM_005591.4 (MANE Select); coding-DNA position 895, A replaced by T.
Protein change: p.Ile299Phe; replaces isoleucine 299 with phenylalanine.
Molecular consequence: missense variant.
Genome position (GRCh38, 1-based): chr11:94,470,593, T>A on the plus strand (A>T on the coding strand, the complement: MRE11 is on the minus strand). VCF-style: chr11-94470593-T-A. GRCh37 (hg19) VCF-style: chr11-94203759-T-A.
Other names: c.895A>T, p.Ile299Phe (NM_001330347.2, NM_005590.4); short protein forms I299F.
Identifiers: ClinVar variation 141998 (VCV000141998.17), dbSNP rs587782169, ClinGen allele CA167074.

ClinVar aggregate classification (germline): Uncertain significance. Review status: criteria provided, multiple submitters, no conflicts (2 of 4 stars). 4 submissions from 4 submitters: Uncertain significance (4). Last evaluated 2025-05-22.

Conditions:
Ataxia-telangiectasia-like disorder (ATLD). Identifiers: MedGen C1858391, MONDO:0011457.
Hereditary cancer-predisposing syndrome. Also called: Neoplastic Syndromes, Hereditary; Tumor predisposition; Hereditary Cancer Syndrome; Hereditary neoplastic syndrome. Identifiers: Orphanet 140162, MedGen C0027672, MeSH D009386, MONDO:0015356.
Ataxia-telangiectasia-like disorder 1 (ATLD1). Identifiers: Orphanet 251347, MedGen C4012790, MONDO:0024557, OMIM 604391.

Allele frequency attached by ClinVar (database versions not stated): gnomAD 0.00001.
gnomAD v4.1: 1 of 1,613,164 alleles (0.000062%); highest among the groups gnomAD compares: Non-Finnish European, 0.000085%; no homozygotes.

Submissions (4):

Ambry Genetics
Classification: Uncertain significance for Hereditary cancer-predisposing syndrome. Last evaluated: 2025-05-22. Review status: criteria provided, single submitter. Criteria: Ambry Variant Classification Scheme 2023. Collection method: clinical testing. Allele origin: germline.
Comment: The p.I299F variant (also known as c.895A>T), located in coding exon 8 of the MRE11A gene, results from an A to T substitution at nucleotide position 895. The isoleucine at codon 299 is replaced by phenylalanine, an amino acid with highly similar properties. This amino acid position is well conserved in available vertebrate species. In addition, the in silico prediction for this alteration is inconclusive. Since supporting evidence is limited at this time, the clinical significance of this alteration remains unclear.

Baylor Genetics
Classification: Uncertain significance for Ataxia-telangiectasia-like disorder 1. Last evaluated: 2023-05-05. Review status: criteria provided, single submitter. Criteria: ACMG Guidelines, 2015. Collection method: clinical testing. Allele origin: unknown.

Labcorp Genetics (formerly Invitae), Labcorp
Classification: Uncertain significance for Ataxia-telangiectasia-like disorder. Last evaluated: 2022-03-25. Review status: criteria provided, single submitter. Criteria: Invitae Variant Classification Sherloc (09022015). Collection method: clinical testing. Allele origin: germline.
Comment: This sequence change replaces isoleucine, which is neutral and non-polar, with phenylalanine, which is neutral and non-polar, at codon 299 of the MRE11 protein (p.Ile299Phe). This variant is present in population databases (rs587782169, gnomAD 0.007%). This variant has not been reported in the literature in individuals affected with MRE11-related conditions. ClinVar contains an entry for this variant (Variation ID: 141998). Algorithms developed to predict the effect of missense changes on protein structure and function are either unavailable or do not agree on the potential impact of this missense change (SIFT: "Deleterious"; PolyPhen-2: "Benign"; Align-GVGD: "Class C0"). In summary, the available evidence is currently insufficient to determine the role of this variant in disease. Therefore, it has been classified as a Variant of Uncertain Significance.

ARUP Laboratories, Molecular Genetics and Genomics, ARUP Laboratories
Classification: Uncertain significance. Last evaluated: 2017-10-20. Review status: criteria provided, single submitter. Criteria: ARUP Molecular Germline Variant Investigation Process. Collection method: clinical testing. Allele origin: germline.
Comment: The p.Ile299Phe variant (rs587782169) has not been reported in the medical literature, gene specific variation databases, nor has it been previously identified by our laboratory. This variant is listed in the Genome Aggregation Database (gnomAD) identified on a single chromosome out of 30,918, and has been reported to the ClinVar database as a variant of uncertain significance (Variation ID: 141998). The isoleucine at position 299 is moderately conserved considering 13 species (Alamut v2.10) and computational analyses of the effects of the p.Ile299Phe variant on protein structure and function provide conflicting results (SIFT: tolerated, MutationTaster: disease causing, PolyPhen-2: benign). Altogether, there is not enough evidence to classify the p.Ile299Phe variant with certainty.